The following is an entry in ClinVar:

NM_001127222.2(CACNA1A):c.7440C>G (p.His2480Gln)

Gene: CACNA1A (calcium voltage-gated channel subunit alpha1 A; minus strand). Cytogenetic location: 19p13.13.
Variant type: single nucleotide variant.
Coding change: c.7440C>G on transcript NM_001127222.2 (MANE Select); coding-DNA position 7440, C replaced by G.
Protein change: p.His2480Gln; replaces histidine 2480 with glutamine.
Molecular consequence: missense variant. On other transcripts: 3 prime UTR variant (3).
Genome position (GRCh38, 1-based): chr19:13,207,394, G>C on the plus strand (C>G on the coding strand, the complement: CACNA1A is on the minus strand). VCF-style: chr19-13207394-G-C. GRCh37 (hg19) VCF-style: chr19-13318208-G-C.
Other names: c.*652C>G (NM_000068.4, NM_001127221.2, NM_001174080.2); c.7458C>G, p.His2486Gln (NM_023035.3); short protein forms H2480Q, H2486Q.
Identifiers: ClinVar variation 994534 (VCV000994534.35), dbSNP rs539546830, ClinGen allele CA9239160.
Genomic context (GRCh38, chr19:13,207,394, plus strand): 5'-CTCGCTGTAGGGTTCGTGCAGGCCCTTCCTGGAGCCCGGCCCGCGGGGCCTGGCCAGTCC[G>C]TGCGCCGGGTAGTAGCCGTTGGGGAGTCGCCGGCCGTGCCGAGAAGGCGAGGCGCAGGCC-3'
Protein context (NP_001120694.1, residues 2470-2490): RRLPNGYYPA[His2480Gln]GLARPRGPGS

ClinVar aggregate classification (germline): Benign/Likely benign. Review status: criteria provided, multiple submitters, no conflicts (2 of 4 stars). 6 submissions from 6 submitters: Benign (2); Likely benign (2). 2 of the submissions do not count toward it. Last evaluated 2026-08-01.

Allele frequency attached by ClinVar (database versions not stated): 1000 Genomes Project 0.00060; 1000 Genomes Project 30x 0.00109; TOPMed 0.00162.
gnomAD v4.1: 3,309 of 1,538,980 alleles (0.22%); highest among the groups gnomAD compares: Non-Finnish European, 0.26%; 10 homozygotes.

Submissions (6):

CeGaT Center for Human Genetics Tuebingen
Classification: Likely benign. Last evaluated: 2026-08-01. Review status: criteria provided, single submitter. Criteria: CeGaT Center For Human Genetics Tuebingen Variant Classification Criteria Version 2. Collection method: clinical testing. Allele origin: germline. Affected: yes. Observed: 39 variant alleles.
Comment: CACNA1A: PP3, BS1

Athena Diagnostics
Classification: Benign. Last evaluated: 2025-04-02. Review status: criteria provided, single submitter. Criteria: Athena Diagnostics Criteria. Collection method: clinical testing. Allele origin: unknown.
Comment: The frequency of this variant in the general population is higher than would generally be expected for pathogenic variants in this gene.

Blueprint Genetics
Classification: Likely benign. Last evaluated: 2024-11-28. Review status: criteria provided, single submitter. Criteria: ACMG Guidelines, 2015. Collection method: clinical testing. Allele origin: germline.

Breakthrough Genomics
Classification: Benign. Review status: criteria provided, single submitter. Criteria: ACMG Guidelines, 2015. Collection method: not provided. Allele origin: germline. Inheritance: Autosomal dominant inheritance. Affected: yes.

Clinical Genetics DNA and cytogenetics Diagnostics Lab, Erasmus MC, Erasmus Medical Center
Classification: Likely benign. Review status: no assertion criteria provided. Collection method: clinical testing. Allele origin: germline. Affected: yes. Study: VKGL Data-share Consensus. Not counted in ClinVar's aggregate classification.

Genome Diagnostics Laboratory, University Medical Center Utrecht
Classification: Likely benign. Review status: no assertion criteria provided. Collection method: clinical testing. Allele origin: germline. Affected: yes. Study: VKGL Data-share Consensus. Not counted in ClinVar's aggregate classification.

Literature cited by the submitters: PubMed 29486580 (cited by Athena Diagnostics).